The following is an entry in ClinVar:

ClinVar aggregate classification (germline): Likely benign. Review status: criteria provided, multiple submitters, no conflicts (2 of 4 stars). 3 submissions from 3 submitters: Likely benign (2). 1 of the submissions does not count toward it. Last evaluated 2025-11-18.

Conditions:
ADGRE2-related disorder. Also called: ADGRE2-related condition.

gnomAD v4.1: 131 of 1,613,660 alleles (0.0081%); highest among the groups gnomAD compares: East Asian, 0.013%; no homozygotes.

Submissions (3):

Labcorp Genetics (formerly Invitae), Labcorp
Classification: Likely benign. Last evaluated: 2025-11-18. Review status: criteria provided, single submitter. Criteria: Invitae Variant Classification Sherloc (09022015). Collection method: clinical testing. Allele origin: germline.

Blueprint Genetics
Classification: Likely benign. Last evaluated: 2024-11-27. Review status: criteria provided, single submitter. Criteria: ACMG Guidelines, 2015. Collection method: clinical testing. Allele origin: germline.

PreventionGenetics, part of Exact Sciences
Classification: Likely benign for ADGRE2-related condition. Last evaluated: 2021-04-14. Review status: no assertion criteria provided. Collection method: clinical testing. Allele origin: germline. Not counted in ClinVar's aggregate classification.
Comment: This variant is classified as likely benign based on ACMG/AMP sequence variant interpretation guidelines (Richards et al. 2015 PMID: 25741868, with internal and published modifications).

NM_013447.4(ADGRE2):c.183C>G (p.Pro61=)

Gene: ADGRE2 (adhesion G protein-coupled receptor E2; minus strand). Cytogenetic location: 19p13.12.
Variant type: single nucleotide variant.
Coding change: c.183C>G on transcript NM_013447.4 (MANE Select); coding-DNA position 183, C replaced by G.
Protein change: p.Pro61=; no amino-acid change (proline 61 retained).
Molecular consequence: synonymous variant.
Genome position (GRCh38, 1-based): chr19:14,773,954, G>C on the plus strand (C>G on the coding strand, the complement: ADGRE2 is on the minus strand). VCF-style: chr19-14773954-G-C. GRCh37 (hg19) VCF-style: chr19-14884766-G-C.
Other names: c.183C>G, p.Pro61= (NM_001271052.1, NM_152916.2, NM_152917.2); c.183C>G (NM_013447.3).
Identifiers: ClinVar variation 2048422 (VCV002048422.7), dbSNP rs749809162, ClinGen allele CA9258286.